The following is an entry in ClinVar:

NM_001111.5(ADAR):c.2786A>C (p.Lys929Thr)

Gene: ADAR (adenosine deaminase RNA specific; minus strand). Cytogenetic location: 1q21.3.
Variant type: single nucleotide variant.
Coding change: c.2786A>C on transcript NM_001111.5 (MANE Select); coding-DNA position 2786, A replaced by C.
Protein change: p.Lys929Thr; replaces lysine 929 with threonine.
Molecular consequence: missense variant.
Genome position (GRCh38, 1-based): chr1:154,588,650, T>G on the plus strand (A>C on the coding strand, the complement: ADAR is on the minus strand). VCF-style: chr1-154588650-T-G. GRCh37 (hg19) VCF-style: chr1-154561126-T-G.
Other names: c.2708A>C, p.Lys903Thr (NM_015840.4); c.2651A>C, p.Lys884Thr (NM_015841.4); c.1901A>C, p.Lys634Thr (NM_001025107.3, NM_001193495.2, NM_001365046.1 and 2 more transcripts); c.2813A>C, p.Lys938Thr (NM_001365045.1); c.1823A>C, p.Lys608Thr (NM_001365049.1); short protein forms K884T, K938T, K608T, K929T, K634T, K903T.
Identifiers: ClinVar variation 2947307 (VCV002947307.3), dbSNP rs2526494308, ClinGen allele CA342636450.

ClinVar aggregate classification (germline): Uncertain significance (1 of 4 stars; one submission).

Conditions:
Symmetrical dyschromatosis of extremities (DSH). Also called: RETICULATE ACROPIGMENTATION OF DOHI; SYMMETRIC DYSCHROMATOSIS OF THE EXTREMITIES; DYSCHROMATOSIS SYMMETRICA HEREDITARIA 1; Dyschromatosis symmetrica hereditaria. Identifiers: Orphanet 41, MedGen C0406775, MONDO:0007483, OMIM 127400.
Aicardi-Goutieres syndrome 6 (AGS6). Identifiers: Orphanet 51, MedGen C3539013, MONDO:0014007, OMIM 615010.

Submission:

Labcorp Genetics (formerly Invitae), Labcorp
Classification: Uncertain significance for Aicardi-Goutieres syndrome 6; Symmetrical dyschromatosis of extremities. Last evaluated: 2024-04-29. Review status: criteria provided, single submitter. Criteria: Invitae Variant Classification Sherloc (09022015). Collection method: clinical testing. Allele origin: germline.
Comment: This sequence change replaces lysine, which is basic and polar, with threonine, which is neutral and polar, at codon 929 of the ADAR protein (p.Lys929Thr). This variant is not present in population databases (gnomAD no frequency). This variant has not been reported in the literature in individuals affected with ADAR-related conditions. Advanced modeling of protein sequence and biophysical properties (such as structural, functional, and spatial information, amino acid conservation, physicochemical variation, residue mobility, and thermodynamic stability) has been performed at Invitae for this missense variant, however the output from this modeling did not meet the statistical confidence thresholds required to predict the impact of this variant on ADAR protein function. In summary, the available evidence is currently insufficient to determine the role of this variant in disease. Therefore, it has been classified as a Variant of Uncertain Significance.